The following is an entry in ClinVar:

ClinVar aggregate classification (germline): Uncertain significance (1 of 4 stars; one submission).

Allele frequency attached by ClinVar (database versions not stated): gnomAD exomes 0.00001.
gnomAD v4.1: 5 of 1,405,282 alleles (0.00036%); highest among the groups gnomAD compares: South Asian, 0.0047%; no homozygotes.

Submission:

Labcorp Genetics (formerly Invitae), Labcorp
Classification: Uncertain significance. Last evaluated: 2024-02-24. Review status: criteria provided, single submitter. Criteria: Invitae Variant Classification Sherloc (09022015). Collection method: clinical testing. Allele origin: germline.
Comment: This sequence change replaces arginine, which is basic and polar, with glycine, which is neutral and non-polar, at codon 955 of the MYO15A protein (p.Arg955Gly). This variant is not present in population databases (gnomAD no frequency). This variant has not been reported in the literature in individuals affected with MYO15A-related conditions. ClinVar contains an entry for this variant (Variation ID: 1505870). Advanced modeling of protein sequence and biophysical properties (such as structural, functional, and spatial information, amino acid conservation, physicochemical variation, residue mobility, and thermodynamic stability) performed at Invitae indicates that this missense variant is not expected to disrupt MYO15A protein function with a negative predictive value of 95%. In summary, the available evidence is currently insufficient to determine the role of this variant in disease. Therefore, it has been classified as a Variant of Uncertain Significance.

NM_016239.4(MYO15A):c.2863A>G (p.Arg955Gly)

Gene: MYO15A (myosin XVA; plus strand). Cytogenetic location: 17p11.2.
Variant type: single nucleotide variant.
Coding change: c.2863A>G on transcript NM_016239.4 (MANE Select); coding-DNA position 2863, A replaced by G.
Protein change: p.Arg955Gly; replaces arginine 955 with glycine.
Molecular consequence: missense variant.
Genome position (GRCh38, 1-based): chr17:18,121,663, A>G. VCF-style: chr17-18121663-A-G. GRCh37 (hg19) VCF-style: chr17-18024977-A-G.
Other names: short protein forms R955G.
Identifiers: ClinVar variation 1505870 (VCV001505870.7), dbSNP rs1198244884, ClinGen allele CA398585635.